The following is an entry in ClinVar:

NM_014319.5(LEMD3):c.2120A>G (p.His707Arg)

Gene: LEMD3 (LEM domain containing 3; plus strand). Cytogenetic location: 12q14.3.
Variant type: single nucleotide variant.
Coding change: c.2120A>G on transcript NM_014319.5 (MANE Select); coding-DNA position 2120, A replaced by G.
Protein change: p.His707Arg; replaces histidine 707 with arginine.
Molecular consequence: missense variant.
Genome position (GRCh38, 1-based): chr12:65,240,232, A>G. VCF-style: chr12-65240232-A-G. GRCh37 (hg19) VCF-style: chr12-65634012-A-G.
Other names: c.2117A>G, p.His706Arg (NM_001167614.2); short protein forms H706R, H707R.
Identifiers: ClinVar variation 4810898 (VCV004810898.1).
Genomic context (GRCh38, chr12:65,240,232, plus strand): 5'-ACAAAGATTTACAACCTTACATGCCTATTCCACATGTACGCGATTCCTTAATACAGCCTC[A>G]TGACAGGTGTGTTCAAAGCATTATGAGTTCAAGTAAATCAGAAAATTTAAGTGCTTTCTG-3'
Protein context (NP_055134.2, residues 697-717): PHVRDSLIQP[His707Arg]DRKKMKKVWD

ClinVar aggregate classification (germline): Uncertain significance (1 of 4 stars; one submission).

gnomAD v4.1: 8 of 1,606,594 alleles (0.0005%); highest among the groups gnomAD compares: Non-Finnish European, 0.00068%; no homozygotes.

Submission:

Labcorp Genetics (formerly Invitae), Labcorp
Classification: Uncertain significance. Last evaluated: 2025-08-05. Review status: criteria provided, single submitter. Criteria: Invitae Variant Classification Sherloc (09022015). Collection method: clinical testing. Allele origin: germline.
Comment: This sequence change replaces histidine, which is basic and polar, with arginine, which is basic and polar, at codon 707 of the LEMD3 protein (p.His707Arg). This variant is present in population databases (no rsID available, gnomAD 0.007%). This variant has not been reported in the literature in individuals affected with LEMD3-related conditions. Invitae Evidence Modeling of protein sequence and biophysical properties (such as structural, functional, and spatial information, amino acid conservation, physicochemical variation, residue mobility, and thermodynamic stability) indicates that this missense variant is not expected to disrupt LEMD3 protein function with a negative predictive value of 80%. In summary, the available evidence is currently insufficient to determine the role of this variant in disease. Therefore, it has been classified as a Variant of Uncertain Significance.